The following is an entry in ClinVar:

NM_024675.4(PALB2):c.2804C>G (p.Ala935Gly)

Gene: PALB2 (partner and localizer of BRCA2; minus strand). Cytogenetic location: 16p12.2.
Variant type: single nucleotide variant.
Coding change: c.2804C>G on transcript NM_024675.4 (MANE Select); coding-DNA position 2804, C replaced by G.
Protein change: p.Ala935Gly; replaces alanine 935 with glycine.
Molecular consequence: missense variant.
Genome position (GRCh38, 1-based): chr16:23,624,039, G>C on the plus strand (C>G on the coding strand, the complement: PALB2 is on the minus strand). VCF-style: chr16-23624039-G-C. GRCh37 (hg19) VCF-style: chr16-23635360-G-C.
Other names: short protein forms A935G.
Identifiers: ClinVar variation 530124 (VCV000530124.17), dbSNP rs769009609, ClinGen allele CA7963482.

ClinVar aggregate classification (germline): Uncertain significance. Review status: criteria provided, multiple submitters, no conflicts (2 of 4 stars). 7 submissions from 7 submitters: Uncertain significance (7). Last evaluated 2024-09-06.

Conditions:
Pancreatic cancer, susceptibility to, 3. Identifiers: Orphanet 1333, MedGen C3150547, MONDO:0013236, OMIM 613348.
Hereditary cancer-predisposing syndrome. Also called: Neoplastic Syndromes, Hereditary; Hereditary neoplastic syndrome; Tumor predisposition; Hereditary Cancer Syndrome. Identifiers: Orphanet 140162, MedGen C0027672, MeSH D009386, MONDO:0015356.
Fanconi anemia complementation group N. Also called: PALB2-Related Fanconi Anemia. Identifiers: Orphanet 84, MedGen C1835817, MONDO:0012565, OMIM 610832. Disease mechanism: loss of function.
Familial cancer of breast. Also called: BREAST CANCER, FAMILIAL; hereditary breast carcinoma; Hereditary breast cancer. Identifiers: Orphanet 227535, MedGen C0346153, MONDO:0016419, OMIM 114480. Disease mechanism: loss of function.

Allele frequency attached by ClinVar (database versions not stated): ExAC 0.00001.

Submissions (7):

Labcorp Genetics (formerly Invitae), Labcorp
Classification: Uncertain significance for Familial cancer of breast. Last evaluated: 2024-09-06. Review status: criteria provided, single submitter. Criteria: Invitae Variant Classification Sherloc (09022015). Collection method: clinical testing. Allele origin: germline.
Comment: This sequence change replaces alanine, which is neutral and non-polar, with glycine, which is neutral and non-polar, at codon 935 of the PALB2 protein (p.Ala935Gly). This variant is present in population databases (rs769009609, gnomAD 0.0009%). This variant has not been reported in the literature in individuals affected with PALB2-related conditions. ClinVar contains an entry for this variant (Variation ID: 530124). Invitae Evidence Modeling of protein sequence and biophysical properties (such as structural, functional, and spatial information, amino acid conservation, physicochemical variation, residue mobility, and thermodynamic stability) indicates that this missense variant is expected to disrupt PALB2 protein function with a positive predictive value of 80%. Algorithms developed to predict the effect of sequence changes on RNA splicing suggest that this variant may disrupt the consensus splice site. In summary, the available evidence is currently insufficient to determine the role of this variant in disease. Therefore, it has been classified as a Variant of Uncertain Significance.

Baylor Genetics
Classification: Uncertain significance for Familial cancer of breast. Last evaluated: 2024-02-18. Review status: criteria provided, single submitter. Criteria: ACMG Guidelines, 2015. Collection method: clinical testing. Allele origin: unknown.

Ambry Genetics
Classification: Uncertain significance for Hereditary cancer-predisposing syndrome. Last evaluated: 2023-11-02. Review status: criteria provided, single submitter. Criteria: Ambry Variant Classification Scheme 2023. Collection method: clinical testing. Allele origin: germline.
Comment: The p.A935G variant (also known as c.2804C>G), located in coding exon 8 of the PALB2 gene, results from a C to G substitution at nucleotide position 2804. The alanine at codon 935 is replaced by glycine, an amino acid with similar properties. This amino acid position is highly conserved in available vertebrate species. In addition, this alteration is predicted to be tolerated by in silico analysis. Since supporting evidence is limited at this time, the clinical significance of this alteration remains unclear.

Color Diagnostics, LLC DBA Color Health
Classification: Uncertain significance for Hereditary cancer-predisposing syndrome. Last evaluated: 2023-10-26. Review status: criteria provided, single submitter. Criteria: ACMG Guidelines, 2015. Collection method: clinical testing. Allele origin: germline.
Comment: This missense variant replaces alanine with glycine at codon 935 of the PALB2 protein. Computational prediction suggests that this variant may not impact protein structure and function (internally defined REVEL score threshold <= 0.5, PMID: 27666373). To our knowledge, functional studies have not been reported for this variant. This variant has not been reported in individuals affected with PALB2-related disorders in the literature. This variant has not been identified in the general population by the Genome Aggregation Database (gnomAD). The available evidence is insufficient to determine the role of this variant in disease conclusively. Therefore, this variant is classified as a Variant of Uncertain Significance.

GeneDx
Classification: Uncertain significance. Last evaluated: 2022-09-21. Review status: criteria provided, single submitter. Criteria: GeneDx Variant Classification Process June 2021. Collection method: clinical testing. Allele origin: germline. Affected: yes.
Comment: Not observed at significant frequency in large population cohorts (gnomAD); In silico analysis supports that this missense variant has a deleterious effect on protein structure/function; Has not been previously published as pathogenic or benign to our knowledge; This variant is associated with the following publications: (PMID: 24485656, 20871615, 19609323)

Department of Pathology and Laboratory Medicine, Sinai Health System
Classification: Uncertain significance for Pancreatic cancer, susceptibility to, 3. Last evaluated: 2022-01-31. Review status: criteria provided, single submitter. Criteria: ACMG Guidelines, 2015. Collection method: clinical testing. Allele origin: germline. Affected: yes.

Fulgent Genetics
Classification: Uncertain significance for Familial cancer of breast; Fanconi anemia complementation group N; Pancreatic cancer, susceptibility to, 3. Last evaluated: 2021-08-26. Review status: criteria provided, single submitter. Criteria: ACMG Guidelines, 2015. Collection method: clinical testing. Allele origin: unknown.